The following is an entry in ClinVar:

ClinVar aggregate classification (germline): Uncertain significance. Review status: criteria provided, multiple submitters, no conflicts (2 of 4 stars). 2 submissions from 2 submitters: Uncertain significance (2). Last evaluated 2022-02-24.

Conditions:
Marfan syndrome (MFS). Also called: Marfan's syndrome; Marfan syndrome, classic; MARFAN SYNDROME, TYPE I; Marfan syndrome type 1; FBN1-Related Marfan Syndrome. Identifiers: Orphanet 284963, Orphanet 558, MedGen C0024796, MONDO:0007947, OMIM 154700.
Familial thoracic aortic aneurysm and aortic dissection (TAAD). Also called: Thoracic aortic aneurysms and dissections. Identifiers: Orphanet 91387, MedGen C4707243, MONDO:0019625.

Submissions (2):

Labcorp Genetics (formerly Invitae), Labcorp
Classification: Uncertain significance for Marfan syndrome; Familial thoracic aortic aneurysm and aortic dissection. Last evaluated: 2022-02-24. Review status: criteria provided, single submitter. Criteria: Invitae Variant Classification Sherloc (09022015). Collection method: clinical testing. Allele origin: germline.
Comment: In summary, the available evidence is currently insufficient to determine the role of this variant in disease. Therefore, it has been classified as a Variant of Uncertain Significance. This variant disrupts the p.Glu1976 amino acid residue in FBN1. Other variant(s) that disrupt this residue have been observed in individuals with FBN1-related conditions (PMID: 21542060), which suggests that this may be a clinically significant amino acid residue. Advanced modeling of protein sequence and biophysical properties (such as structural, functional, and spatial information, amino acid conservation, physicochemical variation, residue mobility, and thermodynamic stability) performed at Invitae indicates that this missense variant is expected to disrupt FBN1 protein function. This missense change has been observed in individual(s) with Marfan syndrome or its clinical features (PMID: 17627385, 21895641; Invitae). This variant is not present in population databases (gnomAD no frequency). This sequence change replaces glutamic acid, which is acidic and polar, with lysine, which is basic and polar, at codon 1976 of the FBN1 protein (p.Glu1976Lys).

Ambry Genetics
Classification: Uncertain significance for Familial thoracic aortic aneurysm and aortic dissection. Last evaluated: 2017-03-14. Review status: criteria provided, single submitter. Criteria: Ambry Variant Classification Scheme 2023. Collection method: clinical testing. Allele origin: germline.
Comment: The p.E1976K variant (also known as c.5926G>A), located in coding exon 48 of the FBN1 gene, results from a G to A substitution at nucleotide position 5926. The glutamic acid at codon 1976 is replaced by lysine, an amino acid with similar properties, and is located in the cbEGF-like domain #30. This alteration has been reported in individuals with suspected Marfan syndrome (Howarth R et al. Genet. Test., 2007;11:146-52; Robinson DO et al. Clin. Genet., 2012 Sep;82:223-31). Another alteration affecting this amino acid (p.E1976G, c.c.5927A>G), has been reported in an individual meeting Ghent criteria for Marfan syndrome (Baetens M et al. Hum. Mutat., 2011 Sep;32:1053-62). This amino acid position is highly conserved in available vertebrate species. In addition, this alteration is predicted to be deleterious by in silico analysis. Since supporting evidence is limited at this time, the clinical significance of this alteration remains unclear.

Literature cited by the submitters: PubMed 21542060 (cited by Labcorp Genetics (formerly Invitae), Labcorp and Ambry Genetics); PubMed 17627385 (cited by Labcorp Genetics (formerly Invitae), Labcorp and Ambry Genetics); PubMed 21895641 (cited by Labcorp Genetics (formerly Invitae), Labcorp and Ambry Genetics).

NM_000138.5(FBN1):c.5926G>A (p.Glu1976Lys)

Gene: FBN1 (fibrillin 1; minus strand). Cytogenetic location: 15q21.1.
Variant type: single nucleotide variant.
Coding change: c.5926G>A on transcript NM_000138.5 (MANE Select); coding-DNA position 5926, G replaced by A.
Protein change: p.Glu1976Lys; replaces glutamic acid 1976 with lysine.
Molecular consequence: missense variant.
Genome position (GRCh38, 1-based): chr15:48,444,652, C>T on the plus strand (G>A on the coding strand, the complement: FBN1 is on the minus strand). VCF-style: chr15-48444652-C-T. GRCh37 (hg19) VCF-style: chr15-48736849-C-T.
Other names: c.5926G>A, p.Glu1976Lys (NM_001406716.1); short protein forms E1976K.
Identifiers: ClinVar variation 1750532 (VCV001750532.7), dbSNP rs2505452295, ClinGen allele CA392339890.